The following is an entry in ClinVar:

NM_000256.3(MYBPC3):c.460A>T (p.Ile154Phe)

Gene: MYBPC3 (myosin binding protein C3; minus strand). Cytogenetic location: 11p11.2.
Variant type: single nucleotide variant.
Coding change: c.460A>T on transcript NM_000256.3 (MANE Select); coding-DNA position 460, A replaced by T.
Protein change: p.Ile154Phe; replaces isoleucine 154 with phenylalanine.
Molecular consequence: missense variant.
Genome position (GRCh38, 1-based): chr11:47,350,059, T>A on the plus strand (A>T on the coding strand, the complement: MYBPC3 is on the minus strand). VCF-style: chr11-47350059-T-A. GRCh37 (hg19) VCF-style: chr11-47371610-T-A.
Other names: short protein forms I154F.
Identifiers: ClinVar variation 1171925 (VCV001171925.9), dbSNP rs2142868165, ClinGen allele CA380338680.

ClinVar aggregate classification (germline): Uncertain significance. Review status: criteria provided, multiple submitters, no conflicts (2 of 4 stars). 3 submissions from 3 submitters: Uncertain significance (3). Last evaluated 2024-03-06.

Conditions:
Hypertrophic cardiomyopathy. Also called: HYPERTROPHIC MYOCARDIOPATHY. Identifiers: Orphanet 217569, MedGen C0007194, MeSH D002312, MONDO:0005045, HP:0001639.
Cardiomyopathy (CMYO). Also called: Cardiomyopathies. Identifiers: Orphanet 167848, MedGen C0878544, MONDO:0004994, HP:0001638. Inheritance: Various modes of inheritance.

Allele frequency attached by ClinVar (database versions not stated): gnomAD exomes below 0.00001.
gnomAD v4.1: 1 of 1,564,050 alleles (0.000064%); highest among the groups gnomAD compares: Non-Finnish European, 0.000087%; no homozygotes.

Submissions (3):

Color Diagnostics, LLC DBA Color Health
Classification: Uncertain significance for Cardiomyopathy. Last evaluated: 2024-03-06. Review status: criteria provided, single submitter. Criteria: ACMG Guidelines, 2015. Collection method: clinical testing. Allele origin: germline.
Comment: This missense variant replaces isoleucine with phenylalanine at codon 154 of the MYBPC3 protein. Computational prediction suggests that this variant may not impact protein structure and function (internally defined REVEL score threshold <= 0.5, PMID: 27666373). To our knowledge, functional studies have not been reported for this variant. This variant has not been reported in individuals affected with cardiovascular disorders in the literature. This variant has not been identified in the general population by the Genome Aggregation Database (gnomAD). The available evidence is insufficient to determine the role of this variant in disease conclusively. Therefore, this variant is classified as a Variant of Uncertain Significance.

All of Us Research Program, National Institutes of Health
Classification: Uncertain significance for Hypertrophic cardiomyopathy. Last evaluated: 2023-11-30. Review status: criteria provided, single submitter. Criteria: ACMG Guidelines, 2015. Collection method: clinical testing. Allele origin: germline. Inheritance: Autosomal dominant inheritance. Observed: 1 variant allele, 1 heterozygote.
Comment: This missense variant replaces isoleucine with phenylalanine at codon 154 of the MYBPC3 protein. Computational prediction suggests that this variant may not impact protein structure and function (internally defined REVEL score threshold <= 0.5, PMID: 27666373). To our knowledge, functional studies have not been reported for this variant. This variant has not been reported in individuals affected with cardiovascular disorders in the literature. This variant has not been identified in the general population by the Genome Aggregation Database (gnomAD). The available evidence is insufficient to determine the role of this variant in disease conclusively. Therefore, this variant is classified as a Variant of Uncertain Significance.

This study involves interpretation of variants in research participants for the purpose of population health screening. Participant phenotype was not available at the time of variant classification. Additional details can be found in publication PMID: 35346344, PMCID: PMC8962531

Labcorp Genetics (formerly Invitae), Labcorp
Classification: Uncertain significance for Hypertrophic cardiomyopathy. Last evaluated: 2022-08-04. Review status: criteria provided, single submitter. Criteria: Invitae Variant Classification Sherloc (09022015). Collection method: clinical testing. Allele origin: germline.
Comment: Algorithms developed to predict the effect of missense changes on protein structure and function are either unavailable or do not agree on the potential impact of this missense change (SIFT: "Deleterious"; PolyPhen-2: "Probably Damaging"; Align-GVGD: "Class C0"). ClinVar contains an entry for this variant (Variation ID: 1171925). This variant has not been reported in the literature in individuals affected with MYBPC3-related conditions. This variant is not present in population databases (gnomAD no frequency). This sequence change replaces isoleucine, which is neutral and non-polar, with phenylalanine, which is neutral and non-polar, at codon 154 of the MYBPC3 protein (p.Ile154Phe). In summary, the available evidence is currently insufficient to determine the role of this variant in disease. Therefore, it has been classified as a Variant of Uncertain Significance.